The following is an entry in ClinVar:

ClinVar aggregate classification (germline): Conflicting classifications of pathogenicity. Review status: criteria provided, conflicting classifications (1 of 4 stars). 4 submissions from 4 submitters: Pathogenic (1); Uncertain significance (3). Last evaluated 2026-01-08.

Conditions:
Multiple endocrine neoplasia, type 1 (MEN1). Also called: MEN I; WERMER SYNDROME; Endocrine adenomatosis multiple; MEN 1; MEA I. Identifiers: Orphanet 652, MedGen C0025267, MeSH D018761, MONDO:0007540, OMIM 131100.
MEN1-related disorder. Also called: MEN1-related condition.

Submissions (4):

Labcorp Genetics (formerly Invitae), Labcorp
Classification: Uncertain significance for Multiple endocrine neoplasia, type 1. Last evaluated: 2026-01-08. Review status: criteria provided, single submitter. Criteria: Invitae Variant Classification Sherloc (09022015). Collection method: clinical testing. Allele origin: germline.
Comment: This sequence change falls in intron 7 of the MEN1 gene. It does not directly change the encoded amino acid sequence of the MEN1 protein. It affects a nucleotide within the consensus splice site. This variant is not present in population databases (gnomAD no frequency). This variant has not been reported in the literature in individuals affected with MEN1-related conditions. ClinVar contains an entry for this variant (Variation ID: 2500676). Variants that disrupt the consensus splice site are a relatively common cause of aberrant splicing (PMID: 17576681, 9536098). Algorithms developed to predict the effect of sequence changes on RNA splicing suggest that this variant may disrupt the consensus splice site. In summary, the available evidence is currently insufficient to determine the role of this variant in disease. Therefore, it has been classified as a Variant of Uncertain Significance.

Baylor Genetics
Classification: Uncertain significance for Multiple Endocrine Neoplasia Type 1. Last evaluated: 2023-09-19. Review status: criteria provided, single submitter. Criteria: ACMG Guidelines, 2015. Collection method: clinical testing. Allele origin: unknown.

GeneDx
Classification: Pathogenic. Last evaluated: 2022-11-07. Review status: criteria provided, single submitter. Criteria: GeneDx Variant Classification Process June 2021. Collection method: clinical testing. Allele origin: germline. Affected: yes.
Comment: Non-canonical splice site variant demonstrated to result in protein truncation or nonsense mediated decay in a gene for which loss-of-function is a known mechanism of disease (Wai et al., 2020); Not observed at significant frequency in large population cohorts (gnomAD); Observed in an individual with MEN1 (Bassett et al., 1998); This variant is associated with the following publications: (PMID: 32123317, 20833329, 23933118, 9463336, 17879353, 35521764)

PreventionGenetics, part of Exact Sciences
Classification: Uncertain significance for MEN1-related condition. Last evaluated: 2022-10-21. Review status: criteria provided, single submitter. Criteria: ACMG Guidelines, 2015. Collection method: clinical testing. Allele origin: germline.
Comment: The MEN1 c.1050-3C>G variant is predicted to interfere with splicing. This variant is predicted to alter splicing based on available splicing prediction programs (Alamut Visual v2.11). This variant has been reported in an individual undergoing clinical genetic testing: However no clinical details were provided (Table S1, Wai et al. 2020. PubMed ID: 32123317). RT-PCR sudies indicate this variant impacts splicing (Table S1, Wai et al. 2020. PubMed ID: 32123317). To our knowledge, this variant has not been reported in the literature or in a large population database, indicating this variant is rare. At this time, the clinical significance of this variant is uncertain due to the absence of conclusive functional and genetic evidence.

Literature cited by the submitters: PubMed 17576681 (cited by Labcorp Genetics (formerly Invitae), Labcorp); PubMed 9536098 (cited by Labcorp Genetics (formerly Invitae), Labcorp).

NM_001370259.2(MEN1):c.1050-3C>G

Gene: MEN1 (menin 1; minus strand). Cytogenetic location: 11q13.1.
Variant type: single nucleotide variant.
Coding change: c.1050-3C>G on transcript NM_001370259.2 (MANE Select); 3 bases into the intron before coding-DNA position 1050, C replaced by G.
Molecular consequence: intron variant.
Genome position (GRCh38, 1-based): chr11:64,805,773, G>C on the plus strand (C>G on the coding strand, the complement: MEN1 is on the minus strand). VCF-style: chr11-64805773-G-C. GRCh37 (hg19) VCF-style: chr11-64573245-G-C.
Other names: c.1065-3C>G (NM_130804.3, NM_130803.3, NM_000244.4 and 4 more transcripts); c.945-3C>G (NM_001407148.1, NM_001407149.1, NM_001370263.2 and 1 more transcripts); c.1050-3C>G (NM_130799.3, NM_001370260.2, NM_001407152.1 and 4 more transcripts); c.1176-3C>G (NM_001407144.1, NM_001370251.2, NM_001407142.1 and 1 more transcripts); c.1071-3C>G (NM_001407151.1); c.1191-3C>G (NM_001407150.1).
Identifiers: ClinVar variation 2500676 (VCV002500676.4), dbSNP rs2136111597, ClinGen allele CA2580084469.